The following is an entry in ClinVar:

NM_006766.5(KAT6A):c.3781C>T (p.Pro1261Ser)

Gene: KAT6A (lysine acetyltransferase 6A; minus strand). Cytogenetic location: 8p11.21.
Variant type: single nucleotide variant.
Coding change: c.3781C>T on transcript NM_006766.5 (MANE Select); coding-DNA position 3781, C replaced by T.
Protein change: p.Pro1261Ser; replaces proline 1261 with serine.
Molecular consequence: missense variant.
Genome position (GRCh38, 1-based): chr8:41,934,439, G>A on the plus strand (C>T on the coding strand, the complement: KAT6A is on the minus strand). VCF-style: chr8-41934439-G-A. GRCh37 (hg19) VCF-style: chr8-41791957-G-A.
Other names: short protein forms P1261S.
Identifiers: ClinVar variation 1803393 (VCV001803393.1), dbSNP rs1478900484, ClinGen allele CA371068397.
Genomic context (GRCh38, chr8:41,934,439, plus strand): 5'-CTGAGACACGGGGCTTCTCTTCTTCCTCCTCCACCTCAGGCTCCTTGGTTTCGGTCTCAG[G>A]ACTATTGCTGCTGTCTGCTGGAGAGGCTGCTGGGACTTCACTGCTGGCTGCATCCTCTTC-3'
Protein context (NP_006757.2, residues 1251-1271): AASPADSSNS[Pro1261Ser]ETETKEPEVE

ClinVar aggregate classification (germline): Uncertain significance (1 of 4 stars; one submission).

Allele frequency attached by ClinVar (database versions not stated): gnomAD exomes below 0.00001; TOPMed below 0.00001; gnomAD 0.00001.
gnomAD v4.1: 2 of 1,608,008 alleles (0.00012%); highest among the groups gnomAD compares: Non-Finnish European, 0.00017%; no homozygotes.

Submission:

GeneDx
Classification: Uncertain significance. Last evaluated: 2022-06-07. Review status: criteria provided, single submitter. Criteria: GeneDx Variant Classification Process June 2021. Collection method: clinical testing. Allele origin: germline. Affected: yes.
Comment: Not observed at significant frequency in large population cohorts (gnomAD); In silico analysis supports that this missense variant does not alter protein structure/function; Has not been previously published as pathogenic or benign to our knowledge